The following is an entry in ClinVar:

NM_003403.5(YY1):c.954C>T (p.His318=)

Gene: YY1 (YY1 transcription factor; plus strand). Cytogenetic location: 14q32.2.
Variant type: single nucleotide variant.
Coding change: c.954C>T on transcript NM_003403.5 (MANE Select); coding-DNA position 954, C replaced by T.
Protein change: p.His318=; no amino-acid change (histidine 318 retained).
Molecular consequence: synonymous variant.
Genome position (GRCh38, 1-based): chr14:100,276,540, C>T. VCF-style: chr14-100276540-C-T. GRCh37 (hg19) VCF-style: chr14-100742877-C-T.
Identifiers: ClinVar variation 3057674 (VCV003057674.2), dbSNP rs545909703, ClinGen allele CA7344109.

ClinVar aggregate classification (germline): Likely benign (0 of 4 stars; one submission).

Conditions:
YY1-related disorder. Also called: YY1-related condition.

Allele frequency attached by ClinVar (database versions not stated): TOPMed 0.00006; ExAC 0.00009; 1000 Genomes Project 0.00020; 1000 Genomes Project 30x 0.00031; gnomAD exomes 0.00003; gnomAD 0.00005.
gnomAD v4.1: 54 of 1,614,246 alleles (0.0033%); highest among the groups gnomAD compares: East Asian, 0.051%; no homozygotes.

Submission:

PreventionGenetics, part of Exact Sciences
Classification: Likely benign for YY1-related condition. Last evaluated: 2019-04-26. Review status: no assertion criteria provided. Collection method: clinical testing. Allele origin: germline.
Comment: This variant is classified as likely benign based on ACMG/AMP sequence variant interpretation guidelines (Richards et al. 2015 PMID: 25741868, with internal and published modifications).